The following is an entry in ClinVar:

ClinVar aggregate classification (germline): Uncertain significance. Review status: criteria provided, multiple submitters, no conflicts (2 of 4 stars). 3 submissions from 3 submitters: Uncertain significance (3). Last evaluated 2023-04-11.

Conditions:
Developmental and epileptic encephalopathy, 18 (DEE18). Also called: Early infantile epileptic encephalopathy 18. Identifiers: Orphanet 369894, MedGen C3809624, MONDO:0014201, OMIM 615476.

Allele frequency attached by ClinVar (database versions not stated): gnomAD exomes 0.00001; ExAC 0.00002; gnomAD 0.00003 and 0.00004; TOPMed 0.00004; ESP Exome Variant Server 0.00008.
gnomAD v4.1: 8 of 1,613,534 alleles (0.0005%); highest among the groups gnomAD compares: African/African-American, 0.0093%; no homozygotes.

Submissions (3):

Genome-Nilou Lab
Classification: Uncertain significance for Developmental and epileptic encephalopathy, 18. Last evaluated: 2023-04-11. Review status: criteria provided, single submitter. Criteria: ACMG Guidelines, 2015. Collection method: clinical testing. Allele origin: germline. Affected: no.

Labcorp Genetics (formerly Invitae), Labcorp
Classification: Uncertain significance. Last evaluated: 2022-06-13. Review status: criteria provided, single submitter. Criteria: Invitae Variant Classification Sherloc (09022015). Collection method: clinical testing. Allele origin: germline.
Comment: This sequence change replaces glutamic acid, which is acidic and polar, with glycine, which is neutral and non-polar, at codon 1029 of the SZT2 protein (p.Glu1029Gly). This variant is present in population databases (rs373741370, gnomAD 0.01%). This variant has not been reported in the literature in individuals affected with SZT2-related conditions. ClinVar contains an entry for this variant (Variation ID: 1313815). Algorithms developed to predict the effect of missense changes on protein structure and function output the following: SIFT: "Tolerated"; PolyPhen-2: "Benign"; Align-GVGD: "Class C0". The glycine amino acid residue is found in multiple mammalian species, which suggests that this missense change does not adversely affect protein function. Algorithms developed to predict the effect of sequence changes on RNA splicing suggest that this variant may disrupt the consensus splice site. In summary, the available evidence is currently insufficient to determine the role of this variant in disease. Therefore, it has been classified as a Variant of Uncertain Significance.

GeneDx
Classification: Uncertain significance. Last evaluated: 2021-01-11. Review status: criteria provided, single submitter. Criteria: GeneDx Variant Classification Process June 2021. Collection method: clinical testing. Allele origin: germline. Affected: yes.
Comment: Not observed at a significant frequency in large population cohorts (Lek et al., 2016); In silico analysis supports that this missense variant does not alter protein structure/function; Has not been previously published as pathogenic or benign to our knowledge

NM_001365999.1(SZT2):c.3257A>G (p.Glu1086Gly)

Gene: SZT2 (SZT2 subunit of KICSTOR complex; plus strand). Cytogenetic location: 1p34.2.
Variant type: single nucleotide variant.
Coding change: c.3257A>G on transcript NM_001365999.1 (MANE Select); coding-DNA position 3257, A replaced by G.
Protein change: p.Glu1086Gly; replaces glutamic acid 1086 with glycine.
Molecular consequence: missense variant.
Genome position (GRCh38, 1-based): chr1:43,426,757, A>G. VCF-style: chr1-43426757-A-G. GRCh37 (hg19) VCF-style: chr1-43892428-A-G.
Other names: c.3086A>G, p.Glu1029Gly (NM_015284.4); short protein forms E1029G, E1086G.
Identifiers: ClinVar variation 1313815 (VCV001313815.4), dbSNP rs373741370, ClinGen allele CA808929.